The following is an entry in ClinVar:

NC_000023.11:g.(?_32411742)_(32651077_?)del

Gene: DMD (dystrophin; minus strand). Cytogenetic location: Xp21.1.
Variant type: Deletion.
Identifiers: ClinVar variation 830882 (VCV000830882.1).

ClinVar aggregate classification (germline): Pathogenic (1 of 4 stars; one submission).

Conditions:
Duchenne muscular dystrophy (DMD). Also called: Duchenne Muscular Dystrophy (DMD); MUSCULAR DYSTROPHY, PSEUDOHYPERTROPHIC PROGRESSIVE, DUCHENNE TYPE. Identifiers: Orphanet 98896, MedGen C0013264, MONDO:0010679, OMIM 310200.

Submission:

Labcorp Genetics (formerly Invitae), Labcorp
Classification: Pathogenic for Duchenne muscular dystrophy. Last evaluated: 2019-11-05. Review status: criteria provided, single submitter. Criteria: Invitae Variant Classification Sherloc (09022015). Collection method: clinical testing. Allele origin: germline.
Comment: This variant is an in-frame deletion of the genomic region encompassing exons 10-30 of the DMD gene. It preserves the integrity of the reading frame. This variant has been observed in individual(s) with Duchenne or Becker muscular dystrophy (PMID: 21150048, 24292997). The region of the DMD gene that includes exons 10-12 has been determined to be clinically significant (PMID: 19937601, 21815800). Therefore, deletions that encompass that region are likely to disrupt protein function and cause disease. For these reasons, this variant has been classified as Pathogenic.

Literature cited by the submitters: PubMed 21150048; PubMed 19937601; PubMed 24292997; PubMed 21815800.